The following is an entry in ClinVar:

ClinVar aggregate classification (germline): Uncertain significance (1 of 4 stars; one submission).

Submission:

Ambry Genetics
Classification: Uncertain significance. Last evaluated: 2025-10-16. Review status: criteria provided, single submitter. Criteria: Ambry Variant Classification Scheme 2023. Collection method: clinical testing. Allele origin: germline.
Comment: The p.R534K variant (also known as c.1601G>A), located in coding exon 1 of the TET2 gene, results from a G to A substitution at nucleotide position 1601. The arginine at codon 534 is replaced by lysine, an amino acid with highly similar properties. This amino acid position is conserved. In addition, this alteration is predicted to be tolerated by in silico analysis. Based on the available evidence, the clinical significance of this variant remains unclear.

NM_001127208.3(TET2):c.1601G>A (p.Arg534Lys)

Genes: TET2 (tet methylcytosine dioxygenase 2; plus strand), TET2-AS1 (TET2 antisense RNA 1; minus strand). Cytogenetic location: 4q24.
Variant type: single nucleotide variant.
Coding change: c.1601G>A on transcript NM_001127208.3 (MANE Select); coding-DNA position 1601, G replaced by A.
Protein change: p.Arg534Lys; replaces arginine 534 with lysine.
Molecular consequence: missense variant.
Genome position (GRCh38, 1-based): chr4:105,235,543, G>A. VCF-style: chr4-105235543-G-A. GRCh37 (hg19) VCF-style: chr4-106156700-G-A.
Other names: c.1601G>A, p.Arg534Lys (NM_017628.4); short protein forms R534K.
Identifiers: ClinVar variation 4594163 (VCV004594163.1).